The following is an entry in ClinVar:

ClinVar aggregate classification (germline): Uncertain significance. Review status: criteria provided, multiple submitters, no conflicts (2 of 4 stars). 6 submissions from 6 submitters: Uncertain significance (5). 1 of the submissions does not count toward it. Last evaluated 2026-07-21.

Conditions:
Inborn genetic diseases. Identifiers: MedGen C0950123, MeSH D030342.
Retinal dystrophy. Also called: Inherited retinal dystrophy. Identifiers: Orphanet 71862, MedGen C0854723, MeSH D058499, MONDO:0019118, HP:0000556.
Retinitis pigmentosa (RP). Identifiers: Orphanet 791, MedGen C0035334, MeSH D012174, MONDO:0019200, OMIM 268000. Inheritance: Autosomal dominant, autosomal recessive and X linked inheritance.
RP1-related disorder. Also called: RP1-related condition.

Allele frequency attached by ClinVar (database versions not stated): gnomAD exomes 0.00004 and 0.00012; ExAC 0.00005; gnomAD 0.00006; TOPMed 0.00007; ESP Exome Variant Server 0.00008.
gnomAD v4.1: 176 of 1,613,878 alleles (0.011%); highest among the groups gnomAD compares: Non-Finnish European, 0.015%; no homozygotes.

Submissions (6):

PreventionGenetics, part of Exact Sciences
Classification: Uncertain significance for RP1-related condition. Last evaluated: 2026-07-21. Review status: criteria provided, single submitter. Criteria: ACMG Guidelines, 2015. Collection method: clinical testing. Allele origin: germline.
Comment: The RP1 c.5123C>T variant is predicted to result in the amino acid substitution p.Ala1708Val. To our knowledge, this variant has not been reported in the literature. This variant is present in 0.0085% of alleles in individuals of European (Non-Finnish) descent in gnomAD. At this time, the clinical significance of this variant is uncertain due to the absence of conclusive functional and genetic evidence.

Labcorp Genetics (formerly Invitae), Labcorp
Classification: Uncertain significance. Last evaluated: 2025-10-24. Review status: criteria provided, single submitter. Criteria: Invitae Variant Classification Sherloc (09022015). Collection method: clinical testing. Allele origin: germline.
Comment: This sequence change replaces alanine, which is neutral and non-polar, with valine, which is neutral and non-polar, at codon 1708 of the RP1 protein (p.Ala1708Val). This variant is present in population databases (rs373678545, gnomAD 0.01%). This missense change has been observed in individuals with clinical features of autosomal dominant retinitis pigmentosa (internal data). ClinVar contains an entry for this variant (Variation ID: 910183). An algorithm developed to predict the effect of missense changes on protein structure and function (PolyPhen-2) suggests that this variant is likely to be tolerated. In summary, the available evidence is currently insufficient to determine the role of this variant in disease. Therefore, it has been classified as a Variant of Uncertain Significance.

Ambry Genetics
Classification: Uncertain significance for Inborn genetic diseases. Last evaluated: 2025-08-08. Review status: criteria provided, single submitter. Criteria: Ambry Variant Classification Scheme 2023. Collection method: clinical testing. Allele origin: germline.

Blueprint Genetics
Classification: Uncertain significance. Last evaluated: 2024-10-22. Review status: criteria provided, single submitter. Criteria: ACMG Guidelines, 2015. Collection method: clinical testing. Allele origin: germline.

Illumina Laboratory Services, Illumina
Classification: Uncertain significance for Retinitis pigmentosa. Last evaluated: 2018-01-13. Review status: criteria provided, single submitter. Criteria: ICSL Variant Classification Criteria 13 December 2019. Collection method: clinical testing. Allele origin: germline.

Institute of Human Genetics, Univ. Regensburg, Univ. Regensburg
Classification: Uncertain significance for Retinal dystrophy. Last evaluated: 2020-01-01. Review status: no assertion criteria provided. Criteria: ACMG Guidelines, 2015. Collection method: clinical testing. Allele origin: germline. Affected: yes. Not counted in ClinVar's aggregate classification.

NM_006269.2(RP1):c.5123C>T (p.Ala1708Val)

Genes: RP1 (RP1 axonemal microtubule associated; plus strand), LOC126860392 (CDK7 strongly-dependent group 2 enhancer GRCh37_chr8:55541319-55542518; plus strand). Cytogenetic location: 8q12.1.
Variant type: single nucleotide variant.
Coding change: c.5123C>T on transcript NM_006269.2 (MANE Select); coding-DNA position 5123, C replaced by T.
Protein change: p.Ala1708Val; replaces alanine 1708 with valine.
Molecular consequence: missense variant. On other transcripts: intron variant (1).
Genome position (GRCh38, 1-based): chr8:54,629,005, C>T. VCF-style: chr8-54629005-C-T. GRCh37 (hg19) VCF-style: chr8-55541565-C-T.
Other names: c.787+6717C>T (NM_001375654.1); short protein forms A1708V.
Identifiers: ClinVar variation 910183 (VCV000910183.15), dbSNP rs373678545, ClinGen allele CA4752009.